The following is an entry in ClinVar:

ClinVar aggregate classification (germline): Uncertain significance (1 of 4 stars; one submission).

Conditions:
Neuropathy, hereditary sensory, type 2C. Also called: KIF1A-Related HSAN2 (HSAN2C); Hereditary sensory and autonomic neuropathy type IIC. Identifiers: Orphanet 970, MedGen C3280168, MONDO:0013634, OMIM 614213.
Intellectual disability, autosomal dominant 9 (NESCAVS). Also called: NESCAV SYNDROME; KIF1A-Related Neurodevelopmental Disorder. Identifiers: Orphanet 662367, MedGen C5393830, MONDO:0013656, OMIM 614255.
Hereditary spastic paraplegia 30. Identifiers: Orphanet 101010, MedGen C5235139, MONDO:0012476.

Submission:

Labcorp Genetics (formerly Invitae), Labcorp
Classification: Uncertain significance for Hereditary spastic paraplegia 30; Neuropathy, hereditary sensory, type 2C; Intellectual disability, autosomal dominant 9. Last evaluated: 2023-03-26. Review status: criteria provided, single submitter. Criteria: Invitae Variant Classification Sherloc (09022015). Collection method: clinical testing. Allele origin: germline.
Comment: In summary, the available evidence is currently insufficient to determine the role of this variant in disease. Therefore, it has been classified as a Variant of Uncertain Significance. Experimental studies and prediction algorithms are not available or were not evaluated, and the functional significance of this variant is currently unknown. This variant has not been reported in the literature in individuals affected with KIF1A-related conditions. This variant results in a copy number gain of the genomic region encompassing exon(s) 25-46 of the KIF1A gene. This region includes the termination codon of the gene. This copy number gain extends beyond the assayed region for this gene and therefore may encompass additional genes. As the precise location of this event is unknown, it may be in tandem or it may be located elsewhere in the genome.

NC_000002.11:g.(?_241656781)_(241689984_?)dup

Gene: KIF1A (kinesin family member 1A; minus strand). Cytogenetic location: 2q37.3.
Variant type: Duplication.
Identifiers: ClinVar variation 2425064 (VCV002425064.6).